The following is an entry in ClinVar:

NM_001385012.1(NBEA):c.1239+4_1239+6del

Gene: NBEA (neurobeachin; plus strand). Cytogenetic location: 13q13.3.
Variant type: Microsatellite.
Coding change: c.1239+4_1239+6del on transcript NM_001385012.1 (MANE Select); bases 4 to 6 of the intron after coding-DNA position 1239, 3 bases deleted (GTA; older notation c.1239+4_1239+6delGTA).
Molecular consequence: splice donor variant.
Genome position (GRCh38, 1-based): chr13:35,058,867-35,058,869, GTA deleted; deleting any 3 consecutive bases within chr13:35,058,864-35,058,869 gives the same sequence; the c. name uses the placement nearest the transcript's 3' end. VCF-style (leftmost placement, unchanged base first): chr13-35058863-GGTA-G. GRCh37 (hg19) VCF-style: chr13-35633000-GGTA-G.
Other names: c.1239+4_1239+6del (NM_015678.5, NM_001379245.1).
Identifiers: ClinVar variation 4981596 (VCV004981596.1).

ClinVar aggregate classification (germline): Likely benign (1 of 4 stars; one submission).

Conditions:
NBEA-related disorder. Also called: NBEA-related condition.

Submission:

PreventionGenetics, part of Exact Sciences
Classification: Likely benign for NBEA-related condition. Last evaluated: 2024-11-19. Review status: criteria provided, single submitter. Criteria: ACMG Guidelines, 2015. Collection method: clinical testing. Allele origin: germline.
Comment: This variant is classified as likely benign based on ACMG/AMP sequence variant interpretation guidelines (Richards et al. 2015 PMID: 25741868, with internal and published modifications).